The following is an entry in ClinVar:

NM_002485.5(NBN):c.1248G>T (p.Met416Ile)

Gene: NBN (nibrin; minus strand). Cytogenetic location: 8q21.3.
Variant type: single nucleotide variant.
Coding change: c.1248G>T on transcript NM_002485.5 (MANE Select); coding-DNA position 1248, G replaced by T.
Protein change: p.Met416Ile; replaces methionine 416 with isoleucine.
Molecular consequence: missense variant.
Genome position (GRCh38, 1-based): chr8:89,955,432, C>A on the plus strand (G>T on the coding strand, the complement: NBN is on the minus strand). VCF-style: chr8-89955432-C-A. GRCh37 (hg19) VCF-style: chr8-90967660-C-A.
Other names: c.1002G>T, p.Met334Ile (NM_001024688.3); short protein forms M416I, M334I.
Identifiers: ClinVar variation 185430 (VCV000185430.21), dbSNP rs756572268, ClinGen allele CA191930.
Genomic context (GRCh38, chr8:89,955,432, plus strand): 5'-CAATTTAGTTGGTGAAAGCTGATAGTTTGGGATTCTCATCTTAGCCAAAGTATTTGATAC[C>A]ATACTATTATTATTAGAGCTTGTTTTGCAGGACTCCTTTACAGTGGGTGCATCTTGTGAA-3'
Protein context (NP_002476.2, residues 406-426): SCKTSSNNNS[Met416Ile]VSNTLAKMRI

ClinVar aggregate classification (germline): Conflicting classifications of pathogenicity. Review status: criteria provided, conflicting classifications (1 of 4 stars). 5 submissions from 5 submitters: Uncertain significance (4); Likely benign (1). Last evaluated 2022-08-23.

Conditions:
Hereditary cancer-predisposing syndrome. Also called: Tumor predisposition; Hereditary Cancer Syndrome; Hereditary neoplastic syndrome; Neoplastic Syndromes, Hereditary. Identifiers: Orphanet 140162, MedGen C0027672, MeSH D009386, MONDO:0015356.
Aplastic anemia. Identifiers: Orphanet 182040, Orphanet 88, MedGen C0002874, MONDO:0015909, OMIM 609135, HP:0001915.
Microcephaly, normal intelligence and immunodeficiency (NBS). Also called: IMMUNODEFICIENCY, MICROCEPHALY, AND CHROMOSOMAL INSTABILITY; SEEMANOVA SYNDROME II; Nijmegen breakage syndrome; Microcephaly with normal intelligence immunodeficiency and lymphoreticular malignancies; Nonsyndromal microcephaly autosomal recessive with normal intelligence; Seemanova syndrome 2. Identifiers: Orphanet 647, MedGen C0398791, MONDO:0009623, OMIM 251260.

Allele frequency attached by ClinVar (database versions not stated): gnomAD exomes below 0.00001; TOPMed below 0.00001; gnomAD 0.00001.
gnomAD v4.1: 3 of 1,613,536 alleles (0.00019%); highest among the groups gnomAD compares: Non-Finnish European, 0.00025%; no homozygotes.

Submissions (5):

Labcorp Genetics (formerly Invitae), Labcorp
Classification: Uncertain significance for Microcephaly, normal intelligence and immunodeficiency. Last evaluated: 2022-08-23. Review status: criteria provided, single submitter. Criteria: Invitae Variant Classification Sherloc (09022015). Collection method: clinical testing. Allele origin: germline.
Comment: This sequence change replaces methionine, which is neutral and non-polar, with isoleucine, which is neutral and non-polar, at codon 416 of the NBN protein (p.Met416Ile). This variant is present in population databases (rs756572268, gnomAD 0.0009%). This variant has not been reported in the literature in individuals affected with NBN-related conditions. ClinVar contains an entry for this variant (Variation ID: 185430). Algorithms developed to predict the effect of missense changes on protein structure and function output the following: SIFT: "Tolerated"; PolyPhen-2: "Benign"; Align-GVGD: "Class C0". The isoleucine amino acid residue is found in multiple mammalian species, which suggests that this missense change does not adversely affect protein function. In summary, the available evidence is currently insufficient to determine the role of this variant in disease. Therefore, it has been classified as a Variant of Uncertain Significance.

Genome-Nilou Lab
Classification: Uncertain significance for Microcephaly, normal intelligence and immunodeficiency. Last evaluated: 2021-11-07. Review status: criteria provided, single submitter. Criteria: ACMG Guidelines, 2015. Collection method: clinical testing. Allele origin: germline. Affected: no.

Baylor Genetics
Classification: Uncertain significance for Aplastic anemia. Last evaluated: 2021-11-05. Review status: criteria provided, single submitter. Criteria: ACMG Guidelines, 2015. Collection method: clinical testing. Allele origin: unknown.

GeneDx
Classification: Uncertain significance. Last evaluated: 2019-11-05. Review status: criteria provided, single submitter. Criteria: GeneDx Variant Classification Process June 2021. Collection method: clinical testing. Allele origin: germline. Affected: yes.
Comment: Not observed at a significant frequency in large population cohorts (Lek 2016); In silico analysis, which includes protein predictors and evolutionary conservation, supports that this variant does not alter protein structure/function; Has not been previously published as pathogenic or benign to our knowledge

Ambry Genetics
Classification: Likely benign for Hereditary cancer-predisposing syndrome. Last evaluated: 2017-03-10. Review status: criteria provided, single submitter. Criteria: Ambry Variant Classification Scheme 2023. Collection method: clinical testing. Allele origin: germline.